The following is an entry in ClinVar:

ClinVar aggregate classification (germline): Benign. Review status: criteria provided, multiple submitters, no conflicts (2 of 4 stars). 8 submissions from 8 submitters: Benign (7). 1 of the submissions does not count toward it. Last evaluated 2026-02-01.

Conditions:
Megaconial type congenital muscular dystrophy (MDCMC). Also called: CHKB-Related Muscle Diseases; CHKB-Related Muscular Dystrophy; MUSCULAR DYSTROPHY, CONGENITAL, WITH MITOCHONDRIAL STRUCTURAL ABNORMALITIES. Identifiers: Orphanet 280671, MedGen C1865233, MONDO:0011246, OMIM 602541.

Allele frequency attached by ClinVar (database versions not stated): 1000 Genomes Project 0.02157; 1000 Genomes Project 30x 0.02249; gnomAD exomes 0.00416; ExAC 0.00624; ESP Exome Variant Server 0.01494; gnomAD 0.01680 and 0.01782; TOPMed 0.01860.

Submissions (8):

Labcorp Genetics (formerly Invitae), Labcorp
Classification: Benign for Megaconial type congenital muscular dystrophy. Last evaluated: 2026-02-01. Review status: criteria provided, single submitter. Criteria: Invitae Variant Classification Sherloc (09022015). Collection method: clinical testing. Allele origin: germline.

Mayo Clinic Laboratories, Mayo Clinic
Classification: Benign. Last evaluated: 2018-07-10. Review status: criteria provided, single submitter. Criteria: ACMG Guidelines, 2015. Collection method: clinical testing. Allele origin: germline. Observed: 9 variant alleles.

Illumina Laboratory Services, Illumina
Classification: Benign for Megaconial type congenital muscular dystrophy. Last evaluated: 2018-01-13. Review status: criteria provided, single submitter. Criteria: ICSL Variant Classification Criteria 13 December 2019. Collection method: clinical testing. Allele origin: germline.
Comment: This variant was observed in the ICSL laboratory as part of a predisposition screen in an ostensibly healthy population. It had not been previously curated by ICSL or reported in the Human Gene Mutation Database (HGMD: prior to June 1st, 2018), and was therefore a candidate for classification through an automated scoring system. Utilizing variant allele frequency, disease prevalence and penetrance estimates, and inheritance mode, an automated score was calculated to assess if this variant is too frequent to cause the disease. Based on the score and internal cut-off values, a variant classified as benign is not then subjected to further curation. The score for this variant resulted in a classification of benign for this disease.

Athena Diagnostics
Classification: Benign. Last evaluated: 2017-02-07. Review status: criteria provided, single submitter. Criteria: Athena Diagnostics Criteria. Collection method: clinical testing. Allele origin: germline.

GeneDx
Classification: Benign. Last evaluated: 2016-02-16. Review status: criteria provided, single submitter. Criteria: GeneDx Variant Classification (06012015). Collection method: clinical testing. Allele origin: germline. Affected: yes.
Comment: This variant is considered likely benign or benign based on one or more of the following criteria: it is a conservative change, it occurs at a poorly conserved position in the protein, it is predicted to be benign by multiple in silico algorithms, and/or has population frequency not consistent with disease.

Breakthrough Genomics
Classification: Benign. Review status: criteria provided, single submitter. Criteria: ACMG Guidelines, 2015. Collection method: not provided. Allele origin: germline. Inheritance: Autosomal recessive inheritance. Affected: yes.

PreventionGenetics, part of Exact Sciences
Classification: Benign. Review status: criteria provided, single submitter. Criteria: ACMG Guidelines, 2015. Collection method: clinical testing. Allele origin: germline.

Genetic Services Laboratory, University of Chicago
Classification: Likely benign for AllHighlyPenetrant. Review status: no assertion criteria provided. Collection method: clinical testing. Allele origin: germline. Inheritance: Autosomal recessive inheritance. Not counted in ClinVar's aggregate classification.
Comment: Likely benign based on allele frequency in 1000 Genomes Project or ESP global frequency and its presence in a patient with a rare or unrelated disease phenotype. NOT Sanger confirmed.

NM_005198.5(CHKB):c.216C>T (p.Tyr72=)

Genes: CHKB (choline kinase beta; minus strand), CHKB-CPT1B (CHKB-CPT1B readthrough (NMD candidate); minus strand). Cytogenetic location: 22q13.33.
Variant type: single nucleotide variant.
Coding change: c.216C>T on transcript NM_005198.5 (MANE Select); coding-DNA position 216, C replaced by T.
Protein change: p.Tyr72=; no amino-acid change (tyrosine 72 retained).
Molecular consequence: synonymous variant. On other transcripts: non-coding transcript variant (1).
Genome position (GRCh38, 1-based): chr22:50,582,566, G>A on the plus strand (C>T on the coding strand, the complement: CHKB is on the minus strand). VCF-style: chr22-50582566-G-A. GRCh37 (hg19) VCF-style: chr22-51020995-G-A.
Other names: p.Tyr72=.
Identifiers: ClinVar variation 128728 (VCV000128728.22), dbSNP rs80067609, ClinGen allele CA152364.